The following is an entry in ClinVar:

NM_004176.5(SREBF1):c.92-3053G>A

Gene: SREBF1 (sterol regulatory element binding transcription factor 1; minus strand). Cytogenetic location: 17p11.2.
Variant type: single nucleotide variant.
Coding change: c.92-3053G>A on transcript NM_004176.5 (MANE Select); 3053 bases into the intron before coding-DNA position 92, G replaced by A.
Molecular consequence: intron variant. On other transcripts: missense variant (1), 5 prime UTR variant (1), non-coding transcript variant (1).
Genome position (GRCh38, 1-based): chr17:17,823,574, C>T on the plus strand (G>A on the coding strand, the complement: SREBF1 is on the minus strand). VCF-style: chr17-17823574-C-T. GRCh37 (hg19) VCF-style: chr17-17726888-C-T.
Other names: c.125G>A, p.Gly42Asp (NM_001005291.3); c.-38G>A (NM_001321096.3); c.92-3849G>A (NM_001388394.1); c.92-3053G>A (NM_001388389.1, NM_001388392.1, NM_001388388.1 and 6 more transcripts); short protein forms G42D.
Identifiers: ClinVar variation 4083731 (VCV004083731.8).
Genomic context (GRCh38, chr17:17,823,574, plus strand): 5'-ATACCTTCGAAAGTGCAATCCATGGCTCCGCGATCTGCGCCCGCCCTTGGGGCGTCCAGG[C>T]CGTTGGCCCTACCCCTCCCCGCGCCGACTTCACCTGTCAAGGCGCGGCGGATTTTTGAAG-3'

ClinVar aggregate classification (germline): Likely benign (1 of 4 stars; one submission).

gnomAD v4.1: 842 of 1,613,434 alleles (0.052%); highest among the groups gnomAD compares: Admixed American, 0.2%; 1 homozygote.

Submission:

CeGaT Center for Human Genetics Tuebingen
Classification: Likely benign. Last evaluated: 2025-08-01. Review status: criteria provided, single submitter. Criteria: CeGaT Center For Human Genetics Tuebingen Variant Classification Criteria Version 2. Collection method: clinical testing. Allele origin: germline. Affected: yes. Observed: 1 variant allele.
Comment: SREBF1: BS2